The following is an entry in ClinVar:

NM_001291415.2(KDM6A):c.1660T>C (p.Phe554Leu)

Gene: KDM6A (lysine demethylase 6A; plus strand). Cytogenetic location: Xp11.3.
Variant type: single nucleotide variant.
Coding change: c.1660T>C on transcript NM_001291415.2 (MANE Select); coding-DNA position 1660, T replaced by C.
Protein change: p.Phe554Leu; replaces phenylalanine 554 with leucine.
Molecular consequence: missense variant. On other transcripts: intron variant (1).
Genome position (GRCh38, 1-based): chrX:45,062,725, T>C. VCF-style: chrX-45062725-T-C. GRCh37 (hg19) VCF-style: chrX-44921970-T-C.
Other names: c.1504T>C (NM_021140.2); c.1525T>C, p.Phe509Leu (NM_001291416.2); c.1369T>C, p.Phe457Leu (NM_001291417.2); c.616T>C, p.Phe206Leu (NM_001291421.2); c.1504T>C, p.Phe502Leu (NM_021140.4); c.1291-697T>C (NM_001291418.2); short protein forms F206L, F457L, F502L, F509L, F554L.
Identifiers: ClinVar variation 1007364 (VCV001007364.9), dbSNP rs2044353947, ClinGen allele CA412787183.
Genomic context (GRCh38, chrX:45,062,725, plus strand): 5'-GCAAATAGAAATAATTTAAATCCAGCACAGAAACTGATGCTGGAACAGCTGGAAAGTCAG[T>C]TTGTCTTAATGCAACAACACCAAGTGTGTATAGCATATTTTTCCCTGAAATTTGTTAGCA-3'
Protein context (NP_001278344.1, residues 544-564): KLMLEQLESQ[Phe554Leu]VLMQQHQMRP

ClinVar aggregate classification (germline): Uncertain significance. Review status: criteria provided, multiple submitters, no conflicts (2 of 4 stars). 2 submissions from 2 submitters: Uncertain significance (2). Last evaluated 2024-05-10.

Conditions:
Kabuki syndrome 2 (KABUK2). Also called: KDM6A-Related Kabuki Syndrome. Identifiers: Orphanet 2322, MedGen C3275495, MONDO:0010465, OMIM 300867.
Inborn genetic diseases. Identifiers: MedGen C0950123, MeSH D030342.

Allele frequency attached by ClinVar (database versions not stated): gnomAD exomes below 0.00001.
gnomAD v4.1: 4 of 1,190,246 alleles (0.00034%); highest among the groups gnomAD compares: South Asian, 0.0071%; no homozygotes.

Submissions (2):

Ambry Genetics
Classification: Uncertain significance for Inborn genetic diseases. Last evaluated: 2024-05-10. Review status: criteria provided, single submitter. Criteria: Ambry Variant Classification Scheme 2023. Collection method: clinical testing. Allele origin: germline.

Labcorp Genetics (formerly Invitae), Labcorp
Classification: Uncertain significance for Kabuki syndrome 2. Last evaluated: 2024-02-24. Review status: criteria provided, single submitter. Criteria: Invitae Variant Classification Sherloc (09022015). Collection method: clinical testing. Allele origin: germline.
Comment: This sequence change replaces phenylalanine, which is neutral and non-polar, with leucine, which is neutral and non-polar, at codon 502 of the KDM6A protein (p.Phe502Leu). This variant is not present in population databases (gnomAD no frequency). This variant has not been reported in the literature in individuals affected with KDM6A-related conditions. ClinVar contains an entry for this variant (Variation ID: 1007364). Advanced modeling of protein sequence and biophysical properties (such as structural, functional, and spatial information, amino acid conservation, physicochemical variation, residue mobility, and thermodynamic stability) performed at Invitae indicates that this missense variant is not expected to disrupt KDM6A protein function with a negative predictive value of 80%. In summary, the available evidence is currently insufficient to determine the role of this variant in disease. Therefore, it has been classified as a Variant of Uncertain Significance.